The following is an entry in ClinVar:

ClinVar aggregate classification (germline): Uncertain significance (1 of 4 stars; one submission).

Conditions:
Dyskeratosis congenita. Identifiers: Orphanet 1775, MedGen C0265965, MONDO:0015780.

Submission:

Ambry Genetics
Classification: Uncertain significance for Dyskeratosis congenita. Last evaluated: 2025-10-01. Review status: criteria provided, single submitter. Criteria: Ambry Variant Classification Scheme 2023. Collection method: clinical testing. Allele origin: germline.
Comment: The p.R155H variant (also known as c.464G>A), located in coding exon 2 of the TERT gene, results from a G to A substitution at nucleotide position 464. The arginine at codon 155 is replaced by histidine, an amino acid with highly similar properties. This amino acid position is conserved. In addition, this alteration is predicted to be tolerated by in silico analysis. Based on the available evidence, the clinical significance of this variant remains unclear.

NM_198253.3(TERT):c.464G>A (p.Arg155His)

Gene: TERT (telomerase reverse transcriptase; minus strand). Cytogenetic location: 5p15.33.
Variant type: single nucleotide variant.
Coding change: c.464G>A on transcript NM_198253.3 (MANE Select); coding-DNA position 464, G replaced by A.
Protein change: p.Arg155His; replaces arginine 155 with histidine.
Molecular consequence: missense variant. On other transcripts: non-coding transcript variant (2).
Genome position (GRCh38, 1-based): chr5:1,294,422, C>T on the plus strand (G>A on the coding strand, the complement: TERT is on the minus strand). VCF-style: chr5-1294422-C-T. GRCh37 (hg19) VCF-style: chr5-1294537-C-T.
Other names: c.464G>A, p.Arg155His (NM_001193376.3); short protein forms R155H.
Identifiers: ClinVar variation 4561563 (VCV004561563.1).